The following is an entry in ClinVar:

ClinVar aggregate classification (germline): Uncertain significance (1 of 4 stars; one submission).

gnomAD v4.1: 1 of 1,614,130 alleles (0.000062%); highest among the groups gnomAD compares: Non-Finnish European, 0.000085%; no homozygotes.

Submission:

Labcorp Genetics (formerly Invitae), Labcorp
Classification: Uncertain significance. Last evaluated: 2025-12-22. Review status: criteria provided, single submitter. Criteria: Invitae Variant Classification Sherloc (09022015). Collection method: clinical testing. Allele origin: germline.
Comment: This sequence change replaces lysine, which is basic and polar, with arginine, which is basic and polar, at codon 271 of the LRRC8A protein (p.Lys271Arg). This variant is not present in population databases (gnomAD no frequency). This variant has not been reported in the literature in individuals affected with LRRC8A-related conditions. An algorithm developed to predict the effect of missense changes on protein structure and function (PolyPhen-2) suggests that this variant is likely to be disruptive. In summary, the available evidence is currently insufficient to determine the role of this variant in disease. Therefore, it has been classified as a Variant of Uncertain Significance.

NM_019594.4(LRRC8A):c.812A>G (p.Lys271Arg)

Gene: LRRC8A (leucine rich repeat containing 8 VRAC subunit A; plus strand). Cytogenetic location: 9q34.11.
Variant type: single nucleotide variant.
Coding change: c.812A>G on transcript NM_019594.4 (MANE Select); coding-DNA position 812, A replaced by G.
Protein change: p.Lys271Arg; replaces lysine 271 with arginine.
Molecular consequence: missense variant.
Genome position (GRCh38, 1-based): chr9:128,907,976, A>G. VCF-style: chr9-128907976-A-G. GRCh37 (hg19) VCF-style: chr9-131670255-A-G.
Other names: c.812A>G, p.Lys271Arg (NM_001127244.2, NM_001127245.2); short protein forms K271R.
Identifiers: ClinVar variation 4733942 (VCV004733942.1).